The following is an entry in ClinVar:

NM_000384.3(APOB):c.215G>T (p.Ser72Ile)

Genes: APOB (apolipoprotein B; minus strand), LOC106560211 (APOB 5' regulatory region; plus strand). Cytogenetic location: 2p24.1.
Variant type: single nucleotide variant.
Coding change: c.215G>T on transcript NM_000384.3 (MANE Select); coding-DNA position 215, G replaced by T.
Protein change: p.Ser72Ile; replaces serine 72 with isoleucine.
Molecular consequence: missense variant.
Genome position (GRCh38, 1-based): chr2:21,042,383, C>A on the plus strand (G>T on the coding strand, the complement: APOB is on the minus strand). VCF-style: chr2-21042383-C-A. GRCh37 (hg19) VCF-style: chr2-21265255-C-A.
Other names: c.215G>T (NM_000384.2); short protein forms S72I.
Identifiers: ClinVar variation 1429179 (VCV001429179.12), dbSNP rs759881866, ClinGen allele CA055449.

ClinVar aggregate classification (germline): Conflicting classifications of pathogenicity. Review status: criteria provided, conflicting classifications (1 of 4 stars). 3 submissions from 3 submitters: Uncertain significance (2); Benign (1). Last evaluated 2026-02-06.

Conditions:
Hypercholesterolemia, autosomal dominant, type B (FHCL2). Also called: Familial hypercholesterolemia 2; APOB-Related Familial Hypercholesterolemia, Autosomal Dominant; Familial Hypercholesterolemia Type B; Hyperlipoproteinemia Type IIb; APOLIPOPROTEIN B-100, FAMILIAL DEFECTIVE; APOLIPOPROTEIN B-100, FAMILIAL LIGAND-DEFECTIVE. Identifiers: MedGen C1704417, MONDO:0007751, OMIM 144010.
Familial hypobetalipoproteinemia 1. Also called: Hypobetalipoproteinemia, normotriglyceridemic; APOB-Related Familial Hypobetalipoproteinemia; Acanthocytosis with hypobetalipoproteinemia. Identifiers: MedGen C4551990, MONDO:0014252, OMIM 615558.
Cardiovascular phenotype. Identifiers: MedGen CN230736.

Allele frequency attached by ClinVar (database versions not stated): gnomAD exomes 0.00003; gnomAD 0.00001; ExAC 0.00002; TOPMed 0.00002.

Submissions (3):

GeneDx
Classification: Uncertain significance. Last evaluated: 2026-02-06. Review status: criteria provided, single submitter. Criteria: GeneDx Variant Classification Process June 2021. Collection method: clinical testing. Allele origin: germline.
Comment: In silico analysis supports that this missense variant has a deleterious effect on protein structure/function; Has not been previously published as pathogenic or benign to our knowledge

Ambry Genetics
Classification: Uncertain significance for Cardiovascular phenotype. Last evaluated: 2025-09-18. Review status: criteria provided, single submitter. Criteria: Ambry Variant Classification Scheme 2023. Collection method: clinical testing. Allele origin: germline.
Comment: The p.S72I variant (also known as c.215G>T), located in coding exon 3 of the APOB gene, results from a G to T substitution at nucleotide position 215. The serine at codon 72 is replaced by isoleucine, an amino acid with dissimilar properties. This amino acid position is conserved. In addition, this alteration is predicted to be deleterious by in silico analysis. Based on the available evidence, the clinical significance of this variant remains unclear.

Labcorp Genetics (formerly Invitae), Labcorp
Classification: Benign for Familial hypobetalipoproteinemia 1; Hypercholesterolemia, autosomal dominant, type B. Last evaluated: 2024-07-26. Review status: criteria provided, single submitter. Criteria: Invitae Variant Classification Sherloc (09022015). Collection method: clinical testing. Allele origin: germline.